The following is an entry in ClinVar:

NM_152419.3(HGSNAT):c.431dup (p.Asn144fs)

Gene: HGSNAT (heparan-alpha-glucosaminide N-acetyltransferase; plus strand). Cytogenetic location: 8p11.21.
Variant type: Duplication.
Coding change: c.431dup on transcript NM_152419.3 (MANE Select); coding-DNA position 431, one base duplicated (A; older notation c.431dupA).
Protein change: p.Asn144fs; shifts the reading frame from asparagine 144.
Molecular consequence: frameshift variant. On other transcripts: 5 prime UTR variant (1).
Genome position (GRCh38, 1-based): chr8:43,158,982, A duplicated; the last of 2 consecutive A bases (chr8:43,158,981-43,158,982); duplicating either gives the same sequence. VCF-style (leftmost placement, unchanged base first): chr8-43158980-T-TA. GRCh37 (hg19) VCF-style: chr8-43014123-T-TA.
Other names: c.431dup, p.Asn144fs (NM_001363227.2, NM_001363228.2); c.-403dup (NM_001363229.2); short protein forms N144fs.
Identifiers: ClinVar variation 5013208 (VCV005013208.1).

ClinVar aggregate classification (germline): Pathogenic (1 of 4 stars; one submission).

Conditions:
Mucopolysaccharidosis, MPS-III-C (MPS3C). Also called: MPS III C; MUCOPOLYSACCHARIDOSIS, TYPE IIIC; Mucopolysaccharidosis type IIIC (Sanfilippo C); mucopolysaccharidosis type 3C; MPS IIIC (Sanfilippo Syndrome Type C); SANFILIPPO SYNDROME C. Identifiers: Orphanet 581, Orphanet 79271, MedGen C0086649, MONDO:0009657, OMIM 252930.

Submission:

Myriad Genetics, Inc.
Classification: Pathogenic for Mucopolysaccharidosis, MPS-III-C. Last evaluated: 2024-06-20. Review status: criteria provided, single submitter. Criteria: Myriad Autosomal Dominant, Autosomal Recessive and X-Linked Classification Criteria (2023). Collection method: clinical testing. Allele origin: unknown.
Comment: NM_152419.2(HGSNAT):c.431dupA(N144Kfs*4) is expected to be pathogenic in the context of mucopolysaccharidosis type IIIC. This variant is predicted to lead to an abnormal or absent protein product due to the creation of a premature termination codon in HGSNAT, a gene where loss-of-function variants are known to be pathogenic. Please note: this variant was assessed in the context of healthy population screening.